The following is an entry in ClinVar:

NM_001324418.2(ADAM22):c.163C>T (p.Leu55Phe)

Gene: ADAM22 (ADAM metallopeptidase domain 22; plus strand). Cytogenetic location: 7q21.12.
Variant type: single nucleotide variant.
Coding change: c.163C>T on transcript NM_001324418.2 (MANE Select); coding-DNA position 163, C replaced by T.
Protein change: p.Leu55Phe; replaces leucine 55 with phenylalanine.
Molecular consequence: missense variant.
Genome position (GRCh38, 1-based): chr7:87,935,103, C>T. VCF-style: chr7-87935103-C-T. GRCh37 (hg19) VCF-style: chr7-87564418-C-T.
Other names: c.160C>T, p.Leu54Phe (NM_001324417.2, NM_001324419.2, NM_001391978.1 and 2 more transcripts); c.163C>T, p.Leu55Phe (NM_001324420.2, NM_001324421.2, NM_001391975.1 and 9 more transcripts); short protein forms L54F, L55F.
Identifiers: ClinVar variation 3045964 (VCV003045964.2), dbSNP rs372922125, ClinGen allele CA4330094.

ClinVar aggregate classification (germline): Benign (0 of 4 stars; one submission).

Conditions:
ADAM22-related disorder. Also called: ADAM22-related condition.

Allele frequency attached by ClinVar (database versions not stated): TOPMed 0.00009; ESP Exome Variant Server 0.00016; 1000 Genomes Project 30x 0.00062; 1000 Genomes Project 0.00080; ExAC 0.00109.

Submission:

PreventionGenetics, part of Exact Sciences
Classification: Benign for ADAM22-related condition. Last evaluated: 2024-09-04. Review status: no assertion criteria provided. Collection method: clinical testing. Allele origin: germline.
Comment: This variant is classified as benign based on ACMG/AMP sequence variant interpretation guidelines (Richards et al. 2015 PMID: 25741868, with internal and published modifications).